The following is an entry in ClinVar:

ClinVar aggregate classification (germline): Uncertain significance (1 of 4 stars; one submission).

gnomAD v4.1: 11 of 1,613,440 alleles (0.00068%); highest among the groups gnomAD compares: Admixed American, 0.0033%; no homozygotes.

Submission:

Labcorp Genetics (formerly Invitae), Labcorp
Classification: Uncertain significance. Last evaluated: 2025-03-31. Review status: criteria provided, single submitter. Criteria: Invitae Variant Classification Sherloc (09022015). Collection method: clinical testing. Allele origin: germline.
Comment: This sequence change replaces glutamic acid, which is acidic and polar, with glutamine, which is neutral and polar, at codon 1416 of the COL4A3 protein (p.Glu1416Gln). This variant is present in population databases (rs777216105, gnomAD 0.006%). This variant has not been reported in the literature in individuals affected with COL4A3-related conditions. An algorithm developed to predict the effect of missense changes on protein structure and function outputs the following: PolyPhen-2: "Not Available". The glutamine amino acid residue is found in multiple mammalian species, which suggests that this missense change does not adversely affect protein function. In summary, the available evidence is currently insufficient to determine the role of this variant in disease. Therefore, it has been classified as a Variant of Uncertain Significance.

NM_000091.5(COL4A3):c.4246G>C (p.Glu1416Gln)

Genes: COL4A3 (collagen type IV alpha 3 chain; plus strand), MFF-DT (MFF divergent transcript; minus strand). Cytogenetic location: 2q36.3.
Variant type: single nucleotide variant.
Coding change: c.4246G>C on transcript NM_000091.5 (MANE Select); coding-DNA position 4246, G replaced by C.
Protein change: p.Glu1416Gln; replaces glutamic acid 1416 with glutamine.
Molecular consequence: missense variant.
Genome position (GRCh38, 1-based): chr2:227,305,077, G>C. VCF-style: chr2-227305077-G-C. GRCh37 (hg19) VCF-style: chr2-228169793-G-C.
Other names: short protein forms E1416Q.
Identifiers: ClinVar variation 4754067 (VCV004754067.1).
Genomic context (GRCh38, chr2:227,305,077, plus strand): 5'-GATGGAAAACCAGGAACTCCTGGACCAGCTGGAGAAAAAGGCAACAAAGGTTCTAAAGGA[G>C]AGCCAGGTAAACCCCCAGCTTGTTTCCTCACCGAAGAAGTGCTATTTCGACATACAGAGA-3'
Protein context (NP_000082.2, residues 1406-1426): GEKGNKGSKG[Glu1416Gln]PGPAGSDGLP